The following is an entry in ClinVar:

ClinVar aggregate classification (germline): Uncertain significance (1 of 4 stars; one submission).

Conditions:
Inborn genetic diseases. Identifiers: MedGen C0950123, MeSH D030342.

Submission:

Ambry Genetics
Classification: Uncertain significance for Inborn genetic diseases. Last evaluated: 2024-05-02. Review status: criteria provided, single submitter. Criteria: Ambry Variant Classification Scheme 2023. Collection method: clinical testing. Allele origin: germline.
Comment: The p.S634T variant (also known as c.1901G>C), located in coding exon 16 of the LRRK2 gene, results from a G to C substitution at nucleotide position 1901. The serine at codon 634 is replaced by threonine, an amino acid with similar properties. This amino acid position is conserved. In addition, this alteration is predicted to be tolerated by in silico analysis. Since supporting evidence is limited at this time, the clinical significance of this alteration remains unclear.

NM_198578.4(LRRK2):c.1901G>C (p.Ser634Thr)

Gene: LRRK2 (leucine rich repeat kinase 2; plus strand). Cytogenetic location: 12q12.
Variant type: single nucleotide variant.
Coding change: c.1901G>C on transcript NM_198578.4 (MANE Select); coding-DNA position 1901, G replaced by C.
Protein change: p.Ser634Thr; replaces serine 634 with threonine.
Molecular consequence: missense variant.
Genome position (GRCh38, 1-based): chr12:40,274,953, G>C. VCF-style: chr12-40274953-G-C. GRCh37 (hg19) VCF-style: chr12-40668755-G-C.
Other names: short protein forms S634T.
Identifiers: ClinVar variation 1782314 (VCV001782314.3), dbSNP rs2499625515, ClinGen allele CA384403575.